The following is an entry in ClinVar:

ClinVar aggregate classification (germline): Uncertain significance (1 of 4 stars; one submission).

Allele frequency attached by ClinVar (database versions not stated): gnomAD exomes below 0.00001; ExAC 0.00001.
gnomAD v4.1: 4 of 1,613,928 alleles (0.00025%); highest among the groups gnomAD compares: South Asian, 0.0022%; no homozygotes.

Submission:

Labcorp Genetics (formerly Invitae), Labcorp
Classification: Uncertain significance. Last evaluated: 2022-09-19. Review status: criteria provided, single submitter. Criteria: Invitae Variant Classification Sherloc (09022015). Collection method: clinical testing. Allele origin: germline.
Comment: This sequence change replaces glycine, which is neutral and non-polar, with arginine, which is basic and polar, at codon 286 of the HPS6 protein (p.Gly286Arg). This variant is present in population databases (rs754206212, gnomAD 0.003%). This variant has not been reported in the literature in individuals affected with HPS6-related conditions. ClinVar contains an entry for this variant (Variation ID: 1513257). Advanced modeling of protein sequence and biophysical properties (such as structural, functional, and spatial information, amino acid conservation, physicochemical variation, residue mobility, and thermodynamic stability) performed at Invitae indicates that this missense variant is not expected to disrupt HPS6 protein function. In summary, the available evidence is currently insufficient to determine the role of this variant in disease. Therefore, it has been classified as a Variant of Uncertain Significance.

NM_024747.6(HPS6):c.856G>A (p.Gly286Arg)

Gene: HPS6 (HPS6 biogenesis of lysosomal organelles complex 2 subunit 3; plus strand). Cytogenetic location: 10q24.32.
Variant type: single nucleotide variant.
Coding change: c.856G>A on transcript NM_024747.6 (MANE Select); coding-DNA position 856, G replaced by A.
Protein change: p.Gly286Arg; replaces glycine 286 with arginine.
Molecular consequence: missense variant.
Genome position (GRCh38, 1-based): chr10:102,066,330, G>A. VCF-style: chr10-102066330-G-A. GRCh37 (hg19) VCF-style: chr10-103826087-G-A.
Other names: short protein forms G286R.
Identifiers: ClinVar variation 1513257 (VCV001513257.3), dbSNP rs754206212, ClinGen allele CA5659869.